The following is an entry in ClinVar:

NM_000891.3(KCNJ2):c.*1267A>G

Gene: KCNJ2 (potassium inwardly rectifying channel subfamily J member 2; plus strand). Cytogenetic location: 17q24.3.
Variant type: single nucleotide variant.
Coding change: c.*1267A>G on transcript NM_000891.3 (MANE Select); 1267 bases downstream of the stop codon, A replaced by G.
Molecular consequence: 3 prime UTR variant.
Genome position (GRCh38, 1-based): chr17:70,177,590, A>G. VCF-style: chr17-70177590-A-G. GRCh37 (hg19) VCF-style: chr17-68173731-A-G.
Identifiers: ClinVar variation 324854 (VCV000324854.9), dbSNP rs236514, ClinGen allele CA10650785.

ClinVar aggregate classification (germline): Benign. Review status: criteria provided, multiple submitters, no conflicts (2 of 4 stars). 5 submissions from 3 submitters: Benign (5). Last evaluated 2021-05-12.

Conditions:
Atrial fibrillation, familial, 9 (ATFB9). Identifiers: MedGen C3151431, MONDO:0013513, OMIM 613980.
Short QT syndrome type 3. Identifiers: Orphanet 51083, MedGen C1865018, MONDO:0012314, OMIM 609622.
Andersen Tawil syndrome (LQT7). Also called: Potassium-sensitive periodic paralysis, ventricular ectopy, and dysmorphic features; ANDERSEN CARDIODYSRHYTHMIC PERIODIC PARALYSIS; LONG QT SYNDROME 7; PERIODIC PARALYSIS, POTASSIUM-SENSITIVE CARDIODYSRHYTHMIC TYPE; Andersen Syndrome. Identifiers: Orphanet 37553, MedGen C1563715, MONDO:0008222, OMIM 170390.

Allele frequency attached by ClinVar (database versions not stated): gnomAD exomes 0.33201; gnomAD 0.51991 and 0.52229; TOPMed 0.54015; 1000 Genomes Project 0.58087; 1000 Genomes Project 30x 0.58588.

Submissions (5):

GeneDx
Classification: Benign. Last evaluated: 2021-05-12. Review status: criteria provided, single submitter. Criteria: GeneDx Variant Classification Process June 2021. Collection method: clinical testing. Allele origin: germline. Affected: yes.

Illumina Laboratory Services, Illumina
Classification: Benign for Atrial fibrillation, familial, 9. Last evaluated: 2018-01-12. Review status: criteria provided, single submitter. Criteria: ICSL Variant Classification Criteria 13 December 2019. Collection method: clinical testing. Allele origin: germline.
Comment: This variant was observed in the ICSL laboratory as part of a predisposition screen in an ostensibly healthy population. It had not been previously curated by ICSL or reported in the Human Gene Mutation Database (HGMD: prior to June 1st, 2018), and was therefore a candidate for classification through an automated scoring system. Utilizing variant allele frequency, disease prevalence and penetrance estimates, and inheritance mode, an automated score was calculated to assess if this variant is too frequent to cause the disease. Based on the score and internal cut-off values, a variant classified as benign is not then subjected to further curation. The score for this variant resulted in a classification of benign for this disease.

Illumina Laboratory Services, Illumina
Classification: Benign for Short QT syndrome type 3. Last evaluated: 2018-01-12. Review status: criteria provided, single submitter. Criteria: ICSL Variant Classification Criteria 13 December 2019. Collection method: clinical testing. Allele origin: germline.
Comment: the same text as in the submission from Illumina Laboratory Services, Illumina above.

Illumina Laboratory Services, Illumina
Classification: Benign for Andersen Tawil syndrome. Last evaluated: 2018-01-12. Review status: criteria provided, single submitter. Criteria: ICSL Variant Classification Criteria 13 December 2019. Collection method: clinical testing. Allele origin: germline.
Comment: the same text as in the submission from Illumina Laboratory Services, Illumina above.

Breakthrough Genomics
Classification: Benign. Review status: criteria provided, single submitter. Criteria: ACMG Guidelines, 2015. Collection method: not provided. Allele origin: germline. Inheritance: Autosomal dominant inheritance. Affected: yes.